The following is an entry in ClinVar:

ClinVar aggregate classification (germline): Uncertain significance (1 of 4 stars; one submission).

gnomAD v4.1: 15 of 1,613,970 alleles (0.00093%); highest among the groups gnomAD compares: Middle Eastern, 0.016%; no homozygotes.

Submission:

Labcorp Genetics (formerly Invitae), Labcorp
Classification: Uncertain significance. Last evaluated: 2024-06-29. Review status: criteria provided, single submitter. Criteria: Invitae Variant Classification Sherloc (09022015). Collection method: clinical testing. Allele origin: germline.
Comment: This sequence change replaces arginine, which is basic and polar, with glutamine, which is neutral and polar, at codon 1295 of the ROBO2 protein (p.Arg1295Gln). This variant is present in population databases (rs762523752, gnomAD 0.007%). This variant has not been reported in the literature in individuals affected with ROBO2-related conditions. Advanced modeling of protein sequence and biophysical properties (such as structural, functional, and spatial information, amino acid conservation, physicochemical variation, residue mobility, and thermodynamic stability) performed at Invitae indicates that this missense variant is not expected to disrupt ROBO2 protein function with a negative predictive value of 95%. In summary, the available evidence is currently insufficient to determine the role of this variant in disease. Therefore, it has been classified as a Variant of Uncertain Significance.

NM_001395656.1(ROBO2):c.3896G>A (p.Arg1299Gln)

Gene: ROBO2 (roundabout guidance receptor 2; plus strand). Cytogenetic location: 3p12.3.
Variant type: single nucleotide variant.
Coding change: c.3896G>A on transcript NM_001395656.1 (MANE Select); coding-DNA position 3896, G replaced by A.
Protein change: p.Arg1299Gln; replaces arginine 1299 with glutamine.
Molecular consequence: missense variant. On other transcripts: intron variant (1).
Genome position (GRCh38, 1-based): chr3:77,634,993, G>A. VCF-style: chr3-77634993-G-A. GRCh37 (hg19) VCF-style: chr3-77684144-G-A.
Other names: c.3932G>A, p.Arg1311Gln (NM_001128929.3); c.3896G>A, p.Arg1299Gln (NM_001290039.2); c.4079G>A, p.Arg1360Gln (NM_001290040.2, NM_001394212.1, NM_001395657.1); c.2105G>A, p.Arg702Gln (NM_001290065.2); c.3944G>A, p.Arg1315Gln (NM_001378190.1, NM_001378200.1, NM_001378201.1); c.4070G>A, p.Arg1357Gln (NM_001378191.1, NM_001378195.1, NM_001378196.1); c.3965G>A, p.Arg1322Gln (NM_001378192.1, NM_001378198.1, NM_001378199.1); c.3884G>A, p.Arg1295Gln (NM_001378193.1, NM_002942.5); and 6 more; short protein forms R1295Q, R1296Q, R1299Q, R1311Q, R1315Q, R1318Q, R1322Q, R1337Q.
Identifiers: ClinVar variation 3616642 (VCV003616642.2).
Genomic context (GRCh38, chr3:77,634,993, plus strand): 5'-CCAGTGCAGCCCTGAGTCAAAGTCAGAGGCCTCGGCCCACTAAAAAACACAAGGGAGGGC[G>A]GATGGACCAACAACCAGCATTGCCTCATCGAAGGGAAGGAATGACAGATGGTAGGTTTCT-3'
Protein context (NP_001382585.1, residues 1289-1309): PRPTKKHKGG[Arg1299Gln]MDQQPALPHR